The following is an entry in ClinVar:

ClinVar aggregate classification (germline): Uncertain significance (1 of 4 stars; one submission).

Submission:

Women's Health and Genetics/Laboratory Corporation of America, LabCorp
Classification: Uncertain significance. Last evaluated: 2026-03-05. Review status: criteria provided, single submitter. Criteria: LabCorp Variant Classification Summary - May 2015. Collection method: clinical testing. Allele origin: germline.
Comment: Variant summary: SETX c.775G>C (p.Gly259Arg) results in a non-conservative amino acid change in the encoded protein sequence. Algorithms developed to predict the effect of missense changes on protein structure and function are either unavailable or do not agree on the potential impact of this missense change. The variant allele was found at a frequency of 1.2e-05 in 251464 control chromosomes. The available data on variant occurrences in the general population are insufficient to allow any conclusion about variant significance. To our knowledge, no occurrence of c.775G>C in individuals affected with SETX-related conditions and no experimental evidence demonstrating its impact on protein function have been reported. No submitters have cited clinical-significance assessments for this variant to ClinVar. Based on the evidence outlined above, the variant was classified as uncertain significance.

NM_015046.7(SETX):c.775G>C (p.Gly259Arg)

Gene: SETX (senataxin; minus strand). Cytogenetic location: 9q34.13.
Variant type: single nucleotide variant.
Coding change: c.775G>C on transcript NM_015046.7 (MANE Select); coding-DNA position 775, G replaced by C.
Protein change: p.Gly259Arg; replaces glycine 259 with arginine.
Molecular consequence: missense variant.
Genome position (GRCh38, 1-based): chr9:132,334,671, C>G on the plus strand (G>C on the coding strand, the complement: SETX is on the minus strand). VCF-style: chr9-132334671-C-G. GRCh37 (hg19) VCF-style: chr9-135210058-C-G.
Other names: c.775G>C, p.Gly259Arg (NM_001351527.2, NM_001351528.2); short protein forms G259R.
Identifiers: ClinVar variation 4847456 (VCV004847456.1).